The following continues an entry in ClinVar:

NM_007194.4(CHEK2):c.349A>G (p.Arg117Gly)

Gene: CHEK2. ClinVar aggregate classification (germline): Pathogenic/Likely pathogenic. Pathogenic (13); Likely pathogenic (36).

Submissions 57 to 59 of 59:

Joint Genome Diagnostic Labs from Nijmegen and Maastricht, Radboudumc and MUMC+
Classification: Likely pathogenic. Review status: no assertion criteria provided. Collection method: clinical testing. Allele origin: germline. Affected: yes. Study: VKGL Data-share Consensus. Not counted in ClinVar's aggregate classification.

Laboratory of Diagnostic Genome Analysis, Leiden University Medical Center (LUMC)
Classification: Likely pathogenic. Review status: no assertion criteria provided. Collection method: clinical testing. Allele origin: germline. Affected: yes. Study: VKGL Data-share Consensus. Not counted in ClinVar's aggregate classification.

Mayo Clinic Laboratories, Mayo Clinic
Classification: Pathogenic. Review status: no assertion criteria provided. Collection method: clinical testing. Allele origin: unknown. Not counted in ClinVar's aggregate classification.

Literature cited by the submitters: PubMed 18725978 (cited by 8 submitters); PubMed 22419737 (cited by 10 submitters); PubMed 30851065 (cited by 5 submitters); PubMed 16835864 (cited by 6 submitters); PubMed 16982735 (cited by 9 submitters); PubMed 12454775 (cited by 9 submitters); PubMed 15095295 (cited by OLLIN Analises Genomicas, OLLIN and Quest Diagnostics Nichols Institute San Juan Capistrano); PubMed 21244692 (cited by 9 submitters); PubMed 26681312 (cited by 5 submitters); PubMed 28125075 (cited by 3 submitters); PubMed 29439820 (cited by 3 submitters); PubMed 29659569 (cited by 4 submitters); PubMed 29945567 (cited by 5 submitters); PubMed 30322717 (cited by 4 submitters); PubMed 30256826 (cited by 4 submitters); PubMed 28709830 (cited by 3 submitters); PubMed 30426508 (cited by 4 submitters); PubMed 31090900 (cited by 3 submitters); PubMed 31263054 (cited by 4 submitters); PubMed 31206626 (cited by 4 submitters); PubMed 32906215 (cited by 4 submitters); PubMed 30676620 (cited by 3 submitters); PubMed 33471991 (cited by Hema, HEMA – Genetic and Molecular Diagnostic Laboratory); PubMed 37449874 (cited by 5 submitters); PubMed 12610780 (cited by 7 submitters); PubMed 28503720 (cited by 7 submitters); PubMed 18725878 (cited by Labcorp Genetics (formerly Invitae), Labcorp and Department of Clinical Genetics, Copenhagen University Hospital, Rigshospitalet); PubMed 39642869 (cited by Center for Genomic Medicine, Rigshospitalet, Copenhagen University Hospital and Department of Clinical Genetics, Copenhagen University Hospital, Rigshospitalet); PubMed 29922827 (cited by 4 submitters); PubMed 27595995 (cited by 5 submitters); PubMed 34903604 (cited by 3 submitters); PubMed 15818573 (cited by Ambry Genetics); PubMed 18058223 (cited by 3 submitters); PubMed 21562711 (cited by Ambry Genetics); PubMed 27553368 (cited by 4 submitters); PubMed 27798748 (cited by 4 submitters); PubMed 30303537 (cited by Ambry Genetics and Quest Diagnostics Nichols Institute San Juan Capistrano); PubMed 30666157 (cited by Ambry Genetics); PubMed 31050813 (cited by Ambry Genetics); PubMed 33158149 (cited by 3 submitters); PubMed 22114986 (cited by Color Diagnostics, LLC DBA Color Health); PubMed 23555315 (cited by Color Diagnostics, LLC DBA Color Health); PubMed 25503501 (cited by 3 submitters); PubMed 30128536 (cited by 3 submitters); PubMed 33030641 (cited by Color Diagnostics, LLC DBA Color Health); PubMed 33326660 (cited by 3 submitters); PubMed 33803639 (cited by Color Diagnostics, LLC DBA Color Health); PubMed 35264596 (cited by Color Diagnostics, LLC DBA Color Health); PubMed 36315097 (cited by Color Diagnostics, LLC DBA Color Health); PubMed 39146382 (cited by Institute for Genomic Medicine (IGM) Clinical Laboratory, Nationwide Children's Hospital); PubMed 25085752 (cited by Myriad Genetics, Inc.); PubMed 24763289 (cited by Women's Health and Genetics/Laboratory Corporation of America, LabCorp and Quest Diagnostics Nichols Institute San Juan Capistrano); PubMed 30067863 (cited by Quest Diagnostics Nichols Institute San Juan Capistrano and Sema4); PubMed 31447099 (cited by Quest Diagnostics Nichols Institute San Juan Capistrano); PubMed 32885271 (cited by Quest Diagnostics Nichols Institute San Juan Capistrano); PubMed 27751358 (cited by Quest Diagnostics Nichols Institute San Juan Capistrano); PubMed 28082821 (cited by Quest Diagnostics Nichols Institute San Juan Capistrano); PubMed 28008555 (cited by Quest Diagnostics Nichols Institute San Juan Capistrano).